The following is an entry in ClinVar:

NM_000523.4(HOXD13):c.32G>C (p.Gly11Ala)

Gene: HOXD13 (homeobox D13; plus strand). Cytogenetic location: 2q31.1.
Variant type: single nucleotide variant.
Coding change: c.32G>C on transcript NM_000523.4 (MANE Select); coding-DNA position 32, G replaced by C.
Protein change: p.Gly11Ala; replaces glycine 11 with alanine.
Molecular consequence: missense variant.
Genome position (GRCh38, 1-based): chr2:176,092,922, G>C. VCF-style: chr2-176092922-G-C. GRCh37 (hg19) VCF-style: chr2-176957650-G-C.
Other names: short protein forms G11A.
Identifiers: ClinVar variation 225651 (VCV000225651.21), dbSNP rs536639583, ClinGen allele CA1976503.

ClinVar aggregate classification (germline): Conflicting classifications of pathogenicity. Review status: criteria provided, conflicting classifications (1 of 4 stars). 7 submissions from 7 submitters: Uncertain significance (3); Benign (1); Likely benign (2). 1 of the submissions does not count toward it. Last evaluated 2025-05-01.

Conditions:
Brachydactyly type D. Also called: STUB THUMB. Identifiers: MedGen C0220664, MONDO:0007222, OMIM 113200, HP:0005627.
Brachydactyly type E1 (BDE1). Identifiers: Orphanet 93387, MedGen C1862102, MONDO:0007223, OMIM 113300.
Synpolydactyly type 1. Identifiers: Orphanet 295195, MedGen C5574994, MONDO:0008513, OMIM 186000.

Allele frequency attached by ClinVar (database versions not stated): gnomAD exomes 0.00019; TOPMed 0.00106; ExAC 0.00134; gnomAD 0.00154; 1000 Genomes Project 0.00260; 1000 Genomes Project 30x 0.00390.
gnomAD v4.1: 665 of 1,329,670 alleles (0.05%); highest among the groups gnomAD compares: East Asian, 1.8%; 5 homozygotes.

Submissions (7):

CeGaT Center for Human Genetics Tuebingen
Classification: Likely benign. Last evaluated: 2025-05-01. Review status: criteria provided, single submitter. Criteria: CeGaT Center For Human Genetics Tuebingen Variant Classification Criteria Version 2. Collection method: clinical testing. Allele origin: germline. Affected: yes. Observed: 1 variant allele.
Comment: HOXD13: PP3, BS1

Labcorp Genetics (formerly Invitae), Labcorp
Classification: Benign. Last evaluated: 2025-03-16. Review status: criteria provided, single submitter. Criteria: Invitae Variant Classification Sherloc (09022015). Collection method: clinical testing. Allele origin: germline.

Blueprint Genetics
Classification: Likely benign. Last evaluated: 2024-11-20. Review status: criteria provided, single submitter. Criteria: ACMG Guidelines, 2015. Collection method: clinical testing. Allele origin: germline.

Department of Pathology and Laboratory Medicine, Sinai Health System
Classification: Uncertain significance for Brachydactyly type E1; Brachydactyly type D. Last evaluated: 2023-10-20. Review status: criteria provided, single submitter. Criteria: ACMG Guidelines, 2015. Collection method: research. Allele origin: germline.

GeneDx
Classification: Uncertain significance. Last evaluated: 2018-03-15. Review status: criteria provided, single submitter. Criteria: GeneDx Variant Classification (06012015). Collection method: clinical testing. Allele origin: germline. Affected: yes.
Comment: The G11A variant has been published previously in association with a synpolydactyly phenotype; the homozygous proband was more severely affected than the heterozygous mother, but the father's phenotype was not provided (Brison et al., 2012). The variant is observed in 3/1714 (0.175%) alleles from individuals of South Asian background in the ExAC dataset (Lek et al., 2016). G11A is a conservative amino acid substitution, which is not likely to impact secondary protein structure as these residues share similar properties. This substitution occurs at a position that is conserved in mammals; however, in silico analysis is inconsistent in its predictions as to whether or not the variant is damaging to the protein structure/function. Functional studies have shown that G11A has no effect on DNA binding, transactivation, or localization; however, it speeds protein degradation and led to skeletal abnormalities in chick embryos (Brison et al., 2012). In summary, based on the currently available information, it is unclear whether this variant is a pathogenic variant or a rare benign variant.

Breakthrough Genomics
Classification: Uncertain significance. Review status: criteria provided, single submitter. Criteria: ACMG Guidelines, 2015. Collection method: not provided. Allele origin: germline. Inheritance: Autosomal dominant inheritance. Affected: yes.

OMIM
Classification: Pathogenic for SYNPOLYDACTYLY 1. Last evaluated: 2018-07-20. Review status: no assertion criteria provided. Collection method: literature only. Allele origin: germline. Not counted in ClinVar's aggregate classification.

Literature cited by the submitters: PubMed 22373878 (cited by OMIM); PubMed 18399101 (cited by OMIM).